The following is an entry in ClinVar:

NM_021008.4(DEAF1):c.322G>A (p.Ala108Thr)

Gene: DEAF1 (DEAF1 transcription factor; minus strand). Cytogenetic location: 11p15.5.
Variant type: single nucleotide variant.
Coding change: c.322G>A on transcript NM_021008.4 (MANE Select); coding-DNA position 322, G replaced by A.
Protein change: p.Ala108Thr; replaces alanine 108 with threonine.
Molecular consequence: missense variant. On other transcripts: 5 prime UTR variant (1).
Genome position (GRCh38, 1-based): chr11:691,566, C>T on the plus strand (G>A on the coding strand, the complement: DEAF1 is on the minus strand). VCF-style: chr11-691566-C-T. GRCh37 (hg19) VCF-style: chr11-691566-C-T.
Other names: c.322G>A, p.Ala108Thr (NM_001293634.2); c.-405G>A (NM_001367390.1); short protein forms A108T.
Identifiers: ClinVar variation 1436737 (VCV001436737.8), dbSNP rs2133421889, ClinGen allele CA378937982.

ClinVar aggregate classification (germline): Uncertain significance (1 of 4 stars; one submission).

gnomAD v4.1: 1 of 1,613,692 alleles (0.000062%); highest among the groups gnomAD compares: Non-Finnish European, 0.000085%; no homozygotes.

Submission:

Labcorp Genetics (formerly Invitae), Labcorp
Classification: Uncertain significance. Last evaluated: 2021-04-12. Review status: criteria provided, single submitter. Criteria: Invitae Variant Classification Sherloc (09022015). Collection method: clinical testing. Allele origin: germline.
Comment: This sequence change replaces alanine with threonine at codon 108 of the DEAF1 protein (p.Ala108Thr). The alanine residue is moderately conserved and there is a small physicochemical difference between alanine and threonine. This variant is not present in population databases (ExAC no frequency). In summary, the available evidence is currently insufficient to determine the role of this variant in disease. Therefore, it has been classified as a Variant of Uncertain Significance. Advanced modeling of protein sequence and biophysical properties (such as structural, functional, and spatial information, amino acid conservation, physicochemical variation, residue mobility, and thermodynamic stability) performed at Invitae indicates that this missense variant is not expected to disrupt DEAF1 protein function. This variant has not been reported in the literature in individuals with DEAF1-related conditions.